The following is an entry in ClinVar:

ClinVar aggregate classification (germline): Uncertain significance (1 of 4 stars; one submission).

Submission:

Labcorp Genetics (formerly Invitae), Labcorp
Classification: Uncertain significance. Last evaluated: 2024-06-10. Review status: criteria provided, single submitter. Criteria: Invitae Variant Classification Sherloc (09022015). Collection method: clinical testing. Allele origin: germline.
Comment: This sequence change replaces proline, which is neutral and non-polar, with alanine, which is neutral and non-polar, at codon 25 of the TNFRSF6B protein (p.Pro25Ala). This variant is not present in population databases (gnomAD no frequency). This variant has not been reported in the literature in individuals affected with TNFRSF6B-related conditions. Algorithms developed to predict the effect of missense changes on protein structure and function output the following: SIFT: "Not Available"; PolyPhen-2: "Not Available"; Align-GVGD: "Not Available". The alanine amino acid residue is found in multiple mammalian species, which suggests that this missense change does not adversely affect protein function. In summary, the available evidence is currently insufficient to determine the role of this variant in disease. Therefore, it has been classified as a Variant of Uncertain Significance.

NM_003823.4(TNFRSF6B):c.73C>G (p.Pro25Ala)

Genes: RTEL1-TNFRSF6B (RTEL1-TNFRSF6B readthrough (NMD candidate); plus strand), TNFRSF6B (TNF receptor superfamily member 6b; plus strand). Cytogenetic location: 20q13.33.
Variant type: single nucleotide variant.
Coding change: c.73C>G on transcript NM_003823.4 (MANE Select); coding-DNA position 73, C replaced by G.
Protein change: p.Pro25Ala; replaces proline 25 with alanine.
Molecular consequence: missense variant. On other transcripts: non-coding transcript variant (1).
Genome position (GRCh38, 1-based): chr20:63,696,840, C>G. VCF-style: chr20-63696840-C-G. GRCh37 (hg19) VCF-style: chr20-62328193-C-G.
Other names: short protein forms P25A.
Identifiers: ClinVar variation 3656141 (VCV003656141.2).